The following is an entry in ClinVar:

ClinVar aggregate classification (germline): Uncertain significance (1 of 4 stars; one submission).

Conditions:
RYR1-related disorder. Also called: RYR1-related condition; RYR1-related disorders. Identifiers: MedGen CN239331.

Submission:

Labcorp Genetics (formerly Invitae), Labcorp
Classification: Uncertain significance for RYR1-related disorder. Last evaluated: 2025-05-06. Review status: criteria provided, single submitter. Criteria: Invitae Variant Classification Sherloc (09022015). Collection method: clinical testing. Allele origin: germline.
Comment: This sequence change replaces glutamic acid, which is acidic and polar, with glutamine, which is neutral and polar, at codon 2545 of the RYR1 protein (p.Glu2545Gln). This variant is not present in population databases (gnomAD no frequency). This variant has not been reported in the literature in individuals affected with RYR1-related conditions. Invitae Evidence Modeling of protein sequence and biophysical properties (such as structural, functional, and spatial information, amino acid conservation, physicochemical variation, residue mobility, and thermodynamic stability) indicates that this missense variant is not expected to disrupt RYR1 protein function with a negative predictive value of 80%. In summary, the available evidence is currently insufficient to determine the role of this variant in disease. Therefore, it has been classified as a Variant of Uncertain Significance.

NM_000540.3(RYR1):c.7633G>C (p.Glu2545Gln)

Gene: RYR1 (ryanodine receptor 1; plus strand). Cytogenetic location: 19q13.2.
Variant type: single nucleotide variant.
Coding change: c.7633G>C on transcript NM_000540.3 (MANE Select); coding-DNA position 7633, G replaced by C.
Protein change: p.Glu2545Gln; replaces glutamic acid 2545 with glutamine.
Molecular consequence: missense variant.
Genome position (GRCh38, 1-based): chr19:38,502,525, G>C. VCF-style: chr19-38502525-G-C. GRCh37 (hg19) VCF-style: chr19-38993165-G-C.
Other names: c.7633G>C, p.Glu2545Gln (NM_001042723.2); short protein forms E2545Q.
Identifiers: ClinVar variation 4777025 (VCV004777025.1).
Genomic context (GRCh38, chr19:38,502,525, plus strand): 5'-AGGGGTGTGCAGCGGGCCTGATGTCCTCACCCTGCGCCCTAGGCCACTTTCAGCACCACC[G>C]AGATGGCGCTGGCGCTGAACCGCTACCTGTGCCTGGCCGTGCTGCCGCTCATCACCAAGT-3'
Protein context (NP_000531.2, residues 2535-2555): SLDTATFSTT[Glu2545Gln]MALALNRYLC